The following is an entry in ClinVar:

ClinVar aggregate classification (germline): Uncertain significance. Review status: criteria provided, multiple submitters, no conflicts (2 of 4 stars). 2 submissions from 2 submitters: Uncertain significance (2). Last evaluated 2024-07-05.

Conditions:
Neonatal-onset encephalopathy with rigidity and seizures. Also called: Lethal neonatal spasticity-epileptic encephalopathy syndrome. Identifiers: Orphanet 435845, MedGen C3281029, MONDO:0013784, OMIM 614498.

Allele frequency attached by ClinVar (database versions not stated): gnomAD exomes 0.00002; TOPMed 0.00003.
gnomAD v4.1: 12 of 1,611,746 alleles (0.00074%); highest among the groups gnomAD compares: Admixed American, 0.02%; no homozygotes.

Submissions (2):

GeneDx
Classification: Uncertain significance. Last evaluated: 2024-07-05. Review status: criteria provided, single submitter. Criteria: GeneDx Variant Classification Process June 2021. Collection method: clinical testing. Allele origin: germline. Affected: yes.
Comment: In silico analysis indicates that this missense variant does not alter protein structure/function; Has not been previously published as pathogenic or benign to our knowledge

Labcorp Genetics (formerly Invitae), Labcorp
Classification: Uncertain significance for Neonatal-onset encephalopathy with rigidity and seizures. Last evaluated: 2022-10-25. Review status: criteria provided, single submitter. Criteria: Invitae Variant Classification Sherloc (09022015). Collection method: clinical testing. Allele origin: germline.
Comment: This sequence change replaces glycine, which is neutral and non-polar, with alanine, which is neutral and non-polar, at codon 491 of the BRAT1 protein (p.Gly491Ala). This variant is present in population databases (rs762040027, gnomAD 0.03%). This variant has not been reported in the literature in individuals affected with BRAT1-related conditions. ClinVar contains an entry for this variant (Variation ID: 540167). Advanced modeling of protein sequence and biophysical properties (such as structural, functional, and spatial information, amino acid conservation, physicochemical variation, residue mobility, and thermodynamic stability) performed at Invitae indicates that this missense variant is not expected to disrupt BRAT1 protein function. In summary, the available evidence is currently insufficient to determine the role of this variant in disease. Therefore, it has been classified as a Variant of Uncertain Significance.

NM_152743.4(BRAT1):c.1472G>C (p.Gly491Ala)

Gene: BRAT1 (BRCA1 associated ATM activator 1; minus strand). Cytogenetic location: 7p22.3.
Variant type: single nucleotide variant.
Coding change: c.1472G>C on transcript NM_152743.4 (MANE Select); coding-DNA position 1472, G replaced by C.
Protein change: p.Gly491Ala; replaces glycine 491 with alanine.
Molecular consequence: missense variant. On other transcripts: non-coding transcript variant (1).
Genome position (GRCh38, 1-based): chr7:2,539,812, C>G on the plus strand (G>C on the coding strand, the complement: BRAT1 is on the minus strand). VCF-style: chr7-2539812-C-G. GRCh37 (hg19) VCF-style: chr7-2579446-C-G.
Other names: c.1472G>C, p.Gly491Ala (NM_001350626.2); c.947G>C, p.Gly316Ala (NM_001350627.2); short protein forms G491A, G316A.
Identifiers: ClinVar variation 540167 (VCV000540167.8), dbSNP rs762040027, ClinGen allele CA4127736.
Genomic context (GRCh38, chr7:2,539,812, plus strand): 5'-CAGCTCCGTTCACCCCTGCAAGGGGCTGCGTTACCTCTGAGGAACTGCGGGATGAGGGGG[C>G]CGAGATCAGAGCAGCCGGGGGTCTTGGGTGAGCTCAGGAGCCACCTGAGCGTGGCCTGGA-3'
Protein context (NP_689956.2, residues 481-501): SPKTPGCSDL[Gly491Ala]PLIPQFLREL